The following is an entry in ClinVar:

NM_003978.5(PSTPIP1):c.770A>G (p.Glu257Gly)

Gene: PSTPIP1 (proline-serine-threonine phosphatase interacting protein 1; plus strand). Cytogenetic location: 15q24.3.
Variant type: single nucleotide variant.
Coding change: c.770A>G on transcript NM_003978.5 (MANE Select); coding-DNA position 770, A replaced by G.
Protein change: p.Glu257Gly; replaces glutamic acid 257 with glycine.
Molecular consequence: missense variant.
Genome position (GRCh38, 1-based): chr15:77,032,326, A>G. VCF-style: chr15-77032326-A-G. GRCh37 (hg19) VCF-style: chr15-77324667-A-G.
Other names: c.770A>G, p.Glu257Gly (NM_001321135.2); c.743A>G, p.Glu248Gly (NM_001321136.2); c.965A>G, p.Glu322Gly (NM_001321137.1); short protein forms E248G, E322G, E257G.
Identifiers: ClinVar variation 1352870 (VCV001352870.8), dbSNP rs2152689087, ClinGen allele CA393521093.

ClinVar aggregate classification (germline): Uncertain significance (1 of 4 stars; one submission).

Conditions:
Pyogenic arthritis-pyoderma gangrenosum-acne syndrome (PAPA). Also called: FAMILIAL RECURRENT ARTHRITIS; PAPA SYNDROME. Identifiers: Orphanet 69126, MedGen C1858361, MONDO:0011462, OMIM 604416.

Submission:

Labcorp Genetics (formerly Invitae), Labcorp
Classification: Uncertain significance for Pyogenic arthritis-pyoderma gangrenosum-acne syndrome. Last evaluated: 2021-05-10. Review status: criteria provided, single submitter. Criteria: Invitae Variant Classification Sherloc (09022015). Collection method: clinical testing. Allele origin: germline.
Comment: This variant has not been reported in the literature in individuals with PSTPIP1-related conditions. This variant is not present in population databases (ExAC no frequency). This sequence change replaces glutamic acid with glycine at codon 257 of the PSTPIP1 protein (p.Glu257Gly). The glutamic acid residue is highly conserved and there is a moderate physicochemical difference between glutamic acid and glycine. In summary, the available evidence is currently insufficient to determine the role of this variant in disease. Therefore, it has been classified as a Variant of Uncertain Significance. Algorithms developed to predict the effect of missense changes on protein structure and function (SIFT, PolyPhen-2, Align-GVGD) all suggest that this variant is likely to be disruptive, but these predictions have not been confirmed by published functional studies and their clinical significance is uncertain.